The following is an entry in ClinVar:

NM_144631.6(ZNF513):c.391C>A (p.Pro131Thr)

Gene: ZNF513 (zinc finger protein 513; minus strand). Cytogenetic location: 2p23.3.
Variant type: single nucleotide variant.
Coding change: c.391C>A on transcript NM_144631.6 (MANE Select); coding-DNA position 391, C replaced by A.
Protein change: p.Pro131Thr; replaces proline 131 with threonine.
Molecular consequence: missense variant.
Genome position (GRCh38, 1-based): chr2:27,378,875, G>T on the plus strand (C>A on the coding strand, the complement: ZNF513 is on the minus strand). VCF-style: chr2-27378875-G-T. GRCh37 (hg19) VCF-style: chr2-27601742-G-T.
Other names: c.205C>A, p.Pro69Thr (NM_001201459.2); short protein forms P131T, P69T.
Identifiers: ClinVar variation 1996521 (VCV001996521.4), dbSNP rs1254000435, ClinGen allele CA346218468.
Genomic context (GRCh38, chr2:27,378,875, plus strand): 5'-AGTACAGTAGCCGTGGGGGCAGCAGGGGCCCCCCACCCGGCCCTCCTGCCCCACAACACG[G>T]CCCCTCACCTGTCGGCCCCCCACACAGCTGGCAGGCTGGGCCTGGCCTCTCACCCCTGGC-3'
Protein context (NP_653232.3, residues 121-141): QLCGGPTGEG[Pro131Thr]CCGAGGPGGG

ClinVar aggregate classification (germline): Uncertain significance (1 of 4 stars; one submission).

Submission:

Labcorp Genetics (formerly Invitae), Labcorp
Classification: Uncertain significance. Last evaluated: 2023-05-15. Review status: criteria provided, single submitter. Criteria: Invitae Variant Classification Sherloc (09022015). Collection method: clinical testing. Allele origin: germline.
Comment: ClinVar contains an entry for this variant (Variation ID: 1996521). In summary, the available evidence is currently insufficient to determine the role of this variant in disease. Therefore, it has been classified as a Variant of Uncertain Significance. An algorithm developed to predict the effect of missense changes on protein structure and function (PolyPhen-2) suggests that this variant is likely to be disruptive. This variant has not been reported in the literature in individuals affected with ZNF513-related conditions. This variant is not present in population databases (gnomAD no frequency). This sequence change replaces proline, which is neutral and non-polar, with threonine, which is neutral and polar, at codon 131 of the ZNF513 protein (p.Pro131Thr).